The following is an entry in ClinVar:

ClinVar aggregate classification (germline): Pathogenic (1 of 4 stars; one submission).

Conditions:
Early-infantile DEE. Also called: Ohtahara syndrome; Early infantile epileptic encephalopathy; Early infantile epileptic encephalopathy with suppression bursts. Identifiers: Orphanet 1934, MedGen C0393706, MONDO:0800491.

Submission:

Labcorp Genetics (formerly Invitae), Labcorp
Classification: Pathogenic for Early-infantile DEE. Last evaluated: 2024-10-22. Review status: criteria provided, single submitter. Criteria: Invitae Variant Classification Sherloc (09022015). Collection method: clinical testing. Allele origin: germline.
Comment: This sequence change creates a premature translational stop signal (p.Ser468Argfs*53) in the KCNQ2 gene. It is expected to result in an absent or disrupted protein product. Loss-of-function variants in KCNQ2 are known to be pathogenic (PMID: 14534157, 23692823, 27779742). This variant is not present in population databases (gnomAD no frequency). This variant has not been reported in the literature in individuals affected with KCNQ2-related conditions. For these reasons, this variant has been classified as Pathogenic.

Literature cited by the submitters: PubMed 14534157; PubMed 23692823; PubMed 27779742.

NM_172107.4(KCNQ2):c.1403dup (p.Ser468fs)

Gene: KCNQ2 (potassium voltage-gated channel subfamily Q member 2; minus strand). Cytogenetic location: 20q13.33.
Variant type: Duplication.
Coding change: c.1403dup on transcript NM_172107.4 (MANE Select); coding-DNA position 1403, one base duplicated (G; older notation c.1403dupG).
Protein change: p.Ser468fs; shifts the reading frame from serine 468.
Molecular consequence: frameshift variant.
Genome position (GRCh38, 1-based): chr20:63,415,025, C duplicated on the plus strand (G on the coding strand, the reverse complement: KCNQ2 is on the minus strand). VCF-style (leftmost placement, unchanged base first): chr20-63415024-G-GC. GRCh37 (hg19) VCF-style: chr20-62046377-G-GC.
Other names: c.1349dup, p.Ser450fs (NM_001382235.1, NM_172106.3); c.1319dup, p.Ser440fs (NM_004518.6); c.1313dup, p.Ser438fs (NM_172108.5); short protein forms S450fs, S468fs, S438fs, S440fs.
Identifiers: ClinVar variation 2769043 (VCV002769043.3), dbSNP rs2516187638, ClinGen allele CA2697547458.